The following is an entry in ClinVar:

ClinVar aggregate classification (germline): Uncertain significance (1 of 4 stars; one submission).

gnomAD v4.1: 10 of 1,614,078 alleles (0.00062%); highest among the groups gnomAD compares: South Asian, 0.0099%; no homozygotes.

Submission:

Labcorp Genetics (formerly Invitae), Labcorp
Classification: Uncertain significance. Last evaluated: 2025-01-27. Review status: criteria provided, single submitter. Criteria: Invitae Variant Classification Sherloc (09022015). Collection method: clinical testing. Allele origin: germline.
Comment: This sequence change replaces isoleucine, which is neutral and non-polar, with valine, which is neutral and non-polar, at codon 378 of the GPI protein (p.Ile378Val). This variant is present in population databases (rs780996802, gnomAD 0.006%). This variant has not been reported in the literature in individuals affected with GPI-related conditions. Invitae Evidence Modeling of protein sequence and biophysical properties (such as structural, functional, and spatial information, amino acid conservation, physicochemical variation, residue mobility, and thermodynamic stability) indicates that this missense variant is not expected to disrupt GPI protein function with a negative predictive value of 95%. In summary, the available evidence is currently insufficient to determine the role of this variant in disease. Therefore, it has been classified as a Variant of Uncertain Significance.

NM_000175.5(GPI):c.1132A>G (p.Ile378Val)

Gene: GPI (glucose-6-phosphate isomerase; plus strand). Cytogenetic location: 19q13.11.
Variant type: single nucleotide variant.
Coding change: c.1132A>G on transcript NM_000175.5 (MANE Select); coding-DNA position 1132, A replaced by G.
Protein change: p.Ile378Val; replaces isoleucine 378 with valine.
Molecular consequence: missense variant.
Genome position (GRCh38, 1-based): chr19:34,396,370, A>G. VCF-style: chr19-34396370-A-G. GRCh37 (hg19) VCF-style: chr19-34887275-A-G.
Other names: c.1165A>G, p.Ile389Val (NM_001184722.1); c.1249A>G, p.Ile417Val (NM_001289789.1); c.1048A>G, p.Ile350Val (NM_001289790.3); c.1132A>G, p.Ile378Val (NM_001329909.1, NM_001329910.1, NM_001329911.2); short protein forms I350V, I378V, I389V, I417V.
Identifiers: ClinVar variation 3695483 (VCV003695483.2).